The following is an entry in ClinVar:

NM_000478.6(ALPL):c.182-2A>C

Gene: ALPL (alkaline phosphatase, biomineralization associated; plus strand). Cytogenetic location: 1p36.12.
Variant type: single nucleotide variant.
Coding change: c.182-2A>C on transcript NM_000478.6 (MANE Select); the canonical splice acceptor site of the intron before coding-DNA position 182, A replaced by C.
Molecular consequence: splice acceptor variant. On other transcripts: intron variant (1).
Genome position (GRCh38, 1-based): chr1:21,561,095, A>C. VCF-style: chr1-21561095-A-C. GRCh37 (hg19) VCF-style: chr1-21887588-A-C.
Other names: c.182-2A>C (NM_001369805.2, NM_001369804.2, NM_001369803.2); c.17-2A>C (NM_001127501.4); c.66+350A>C (NM_001177520.3).
Identifiers: ClinVar variation 4086881 (VCV004086881.1).

ClinVar aggregate classification (germline): Pathogenic (1 of 4 stars; one submission).

Conditions:
Hypophosphatasia. Also called: Phosphoethanol-aminuria. Identifiers: Orphanet 436, MedGen C0020630, MeSH D007014, MONDO:0018570.

Submission:

Genomenon, Inc
Classification: Pathogenic for Hypophosphatasia. Last evaluated: 2025-08-29. Review status: criteria provided, single submitter. Criteria: Genomenon Sequence Variant Interpretation Standards. Collection method: curation. Allele origin: germline. Affected: yes.
Comment: ALPL c.182-2A>C is a canonical splice variant located in the acceptor splice region of intron 3. This variant has been observed in at least one proband affected with hypophosphatasia (PMID:25731960). It is absent or not present at a significant frequency in gnomAD. In conclusion, we classify ALPL c.182-2A>C as a pathogenic variant.

Literature cited by the submitters: PubMed 25731960.